The following is an entry in ClinVar:

NM_006736.6(DNAJB2):c.572G>A (p.Arg191Gln)

Gene: DNAJB2 (DnaJ heat shock protein family (Hsp40) member B2; plus strand). Cytogenetic location: 2q35.
Variant type: single nucleotide variant.
Coding change: c.572G>A on transcript NM_006736.6 (MANE Select); coding-DNA position 572, G replaced by A.
Protein change: p.Arg191Gln; replaces arginine 191 with glutamine.
Molecular consequence: missense variant.
Genome position (GRCh38, 1-based): chr2:219,283,442, G>A. VCF-style: chr2-219283442-G-A. GRCh37 (hg19) VCF-style: chr2-220148164-G-A.
Other names: c.572G>A, p.Arg191Gln (NM_001039550.2); c.572G>A (NM_001039550.1); short protein forms R191Q.
Identifiers: ClinVar variation 2142010 (VCV002142010.4), dbSNP rs1417314758, ClinGen allele CA350650865.
Genomic context (GRCh38, chr2:219,283,442, plus strand): 5'-TCACTGCTCGTTGCCTGAACTGTGCTGTCTCCCACAGAATCATGGAGAACGGGCAGGAGC[G>A]GGTGGAAGTGGAGGAGGATGGGCAGCTGAAGTCAGTCACAATCAATGGTGAGGAGCAGCT-3'
Protein context (NP_006727.2, residues 181-201): TRRIMENGQE[Arg191Gln]VEVEEDGQLK

ClinVar aggregate classification (germline): Uncertain significance. Review status: criteria provided, multiple submitters, no conflicts (2 of 4 stars). 3 submissions from 3 submitters: Uncertain significance (3). Last evaluated 2025-08-08.

Conditions:
Neuronopathy, distal hereditary motor, autosomal recessive 5. Also called: Young adult-onset distal hereditary motor neuropathy; Spinal muscular atrophy, distal, autosomal recessive, 5; NEUROPATHY, DISTAL HEREDITARY MOTOR, AUTOSOMAL RECESSIVE 5. Identifiers: Orphanet 314485, Orphanet 443950, MedGen C4749918, MONDO:0013947, OMIM 614881.
Inborn genetic diseases. Identifiers: MedGen C0950123, MeSH D030342.

Allele frequency attached by ClinVar (database versions not stated): gnomAD exomes 0.00001; TOPMed below 0.00001.

Submissions (4):

Ambry Genetics
Classification: Uncertain significance for Inborn genetic diseases. Last evaluated: 2025-08-08. Review status: criteria provided, single submitter. Criteria: Ambry Variant Classification Scheme 2023. Collection method: clinical testing. Allele origin: germline.

GeneDx
Classification: Uncertain significance. Last evaluated: 2025-04-21. Review status: criteria provided, single submitter. Criteria: GeneDx Variant Classification Process June 2021. Collection method: clinical testing. Allele origin: germline. Affected: yes.
Comment: Not observed at significant frequency in large population cohorts (gnomAD); In silico analysis supports that this missense variant has a deleterious effect on protein structure/function; Has not been previously published as pathogenic or benign to our knowledge

Labcorp Genetics (formerly Invitae), Labcorp
Classification: Uncertain significance for Neuronopathy, distal hereditary motor, autosomal recessive 5. Last evaluated: 2022-06-03. Review status: criteria provided, single submitter. Criteria: Invitae Variant Classification Sherloc (09022015). Collection method: clinical testing. Allele origin: germline.
Comment: This sequence change replaces arginine, which is basic and polar, with glutamine, which is neutral and polar, at codon 191 of the DNAJB2 protein (p.Arg191Gln). This variant is present in population databases (no rsID available, gnomAD 0.0009%). This variant has not been reported in the literature in individuals affected with DNAJB2-related conditions. Algorithms developed to predict the effect of missense changes on protein structure and function are either unavailable or do not agree on the potential impact of this missense change (SIFT: "Tolerated"; PolyPhen-2: "Possibly Damaging"; Align-GVGD: "Class C0"). In summary, the available evidence is currently insufficient to determine the role of this variant in disease. Therefore, it has been classified as a Variant of Uncertain Significance.

Dr. Peter K. Rogan Lab, Western University
No classification provided (evidence only). Condition: Malignant tumor of esophagus. Review status: no classification provided. Collection method: in vitro. Allele origin: not applicable. Functional consequence: retained intron. Not counted in ClinVar's aggregate classification.